The following is an entry in ClinVar:

ClinVar aggregate classification (germline): Pathogenic/Likely pathogenic. Review status: criteria provided, multiple submitters, no conflicts (2 of 4 stars). 5 submissions from 5 submitters: Pathogenic (1); Likely pathogenic (3). 1 of the submissions does not count toward it. Last evaluated 2025-08-13.

Conditions:
Hereditary cancer-predisposing syndrome. Also called: Hereditary Cancer Syndrome; Hereditary neoplastic syndrome; Tumor predisposition; Neoplastic Syndromes, Hereditary. Identifiers: Orphanet 140162, MedGen C0027672, MeSH D009386, MONDO:0015356.
Familial cancer of breast. Also called: BREAST CANCER, FAMILIAL; hereditary breast carcinoma; Hereditary breast cancer. Identifiers: Orphanet 227535, MedGen C0346153, MONDO:0016419, OMIM 114480. Disease mechanism: loss of function.

Allele frequency attached by ClinVar (database versions not stated): gnomAD exomes below 0.00001.
gnomAD v4.1: 2 of 1,612,592 alleles (0.00012%); highest among the groups gnomAD compares: Non-Finnish European, 0.00017%; no homozygotes.

Submissions (5):

Labcorp Genetics (formerly Invitae), Labcorp
Classification: Pathogenic for Familial cancer of breast. Last evaluated: 2025-08-13. Review status: criteria provided, single submitter. Criteria: Invitae Variant Classification Sherloc (09022015). Collection method: clinical testing. Allele origin: germline.
Comment: This sequence change affects a donor splice site in intron 11 of the CHEK2 gene. RNA analysis indicates that disruption of this splice site induces altered splicing and may result in an absent or altered protein product. This variant is not present in population databases (gnomAD no frequency). Disruption of this splice site has been observed in individual(s) with CHEK2-related conditions (PMID: 26506619, 30303537). ClinVar contains an entry for this variant (Variation ID: 126911). Studies have shown that disruption of this splice site results in skipping of exon 11 (also known as exon 10), and produces a non-functional protein and/or introduces a premature termination codon (PMID: 26506619; internal data). For these reasons, this variant has been classified as Pathogenic.

Myriad Genetics, Inc.
Classification: Likely pathogenic for Familial cancer of breast. Last evaluated: 2023-06-28. Review status: criteria provided, single submitter. Criteria: Myriad Autosomal Dominant, Autosomal Recessive and X-Linked Classification Criteria (2023). Collection method: clinical testing. Allele origin: unknown.
Comment: This variant is considered likely pathogenic. This variant occurs within a consensus splice junction and is predicted to result in abnormal mRNA splicing of either an out-of-frame exon or an in-frame exon necessary for protein stability and/or normal function.

Baylor Genetics
Classification: Likely pathogenic for Familial cancer of breast. Last evaluated: 2023-03-10. Review status: criteria provided, single submitter. Criteria: ACMG Guidelines, 2015. Collection method: clinical testing. Allele origin: unknown.

Ambry Genetics
Classification: Likely pathogenic for Hereditary cancer-predisposing syndrome. Last evaluated: 2017-07-26. Review status: criteria provided, single submitter. Criteria: Ambry Variant Classification Scheme 2023. Collection method: clinical testing. Allele origin: germline.
Comment: The c.1259+1G>C intronic variant results from a G to C substitution one nucleotide after coding exon 10 of the CHEK2 gene. This alteration has been reported in the germline of an individual diagnosed with non-Hodgkin lymphoma and mRNA sequencing demonstrated that the donor splice site is abolished, causing exon skipping and premature termination (Havranek O et al. PLoS ONE, 2015 Oct;10:e0140819). This nucleotide position is highly conserved in available vertebrate species. Using the BDGP and ESEfinder splice site prediction tools, this alteration is predicted to abolish the native splice donor site; however, direct evidence is unavailable. Alterations that disrupt the canonical splice site are expected to cause aberrant splicing, resulting in an abnormal protein or a transcript that is subject to nonsense-mediated mRNA decay. As such, this alteration is classified as likely pathogenic.

Institute. of Biochemistry and Experimental Oncology, First Faculty of Medicine, Charles University in Prague
No classification provided. Review status: no classification provided. Collection method: not provided. Allele origin: germline. Not counted in ClinVar's aggregate classification.
Comment: Characterized in 1 out of 340 Non Hodgkin lymphoma patients

Literature cited by the submitters: PubMed 26506619 (cited by Labcorp Genetics (formerly Invitae), Labcorp and Ambry Genetics); PubMed 30303537 (cited by Labcorp Genetics (formerly Invitae), Labcorp).

NM_007194.4(CHEK2):c.1259+1G>C

Gene: CHEK2 (checkpoint kinase 2; minus strand). Cytogenetic location: 22q12.1.
Variant type: single nucleotide variant.
Coding change: c.1259+1G>C on transcript NM_007194.4 (MANE Select); the canonical splice donor site of the intron after coding-DNA position 1259, G replaced by C.
Molecular consequence: splice donor variant.
Genome position (GRCh38, 1-based): chr22:28,695,709, C>G on the plus strand (G>C on the coding strand, the complement: CHEK2 is on the minus strand). VCF-style: chr22-28695709-C-G. GRCh37 (hg19) VCF-style: chr22-29091697-C-G.
Other names: chr22:29,091,697C>G; c.596+1G>C (NM_001437942.1, NM_001257387.3); c.1058+1G>C (NM_001349956.3); c.1172+1G>C (NM_145862.3); c.1265+1G>C (NM_001438295.1); c.1352+1G>C (NM_001438293.1); c.1301+1G>C (NM_001438294.1); c.1388+1G>C (NM_001005735.3).
Identifiers: ClinVar variation 126911 (VCV000126911.16), dbSNP rs121908707, ClinGen allele CA230686.
Genomic context (GRCh38, chr22:28,695,709, plus strand): 5'-CATTTGTGACTTCATCTAATCACCTCCTACCAGTCTGTGCAGCAATGAAAATATTTCTTA[C>G]CAGATAAAAAGAATAACTCCTAAACTCCAGCAGTCCACAGCACGGTTATACCCAGCAGTC-3'